The following is an entry in ClinVar:

NM_000540.3(RYR1):c.514_519del (p.171VS[1])

Gene: RYR1 (ryanodine receptor 1; plus strand). Cytogenetic location: 19q13.2.
Variant type: Deletion.
Coding change: c.514_519del on transcript NM_000540.3 (MANE Select); coding-DNA positions 514 to 519, 6 bases deleted (AGTGTC; older notation c.514_519delAGTGTC).
Protein change: p.171VS[1].
Molecular consequence: inframe deletion.
Genome position (GRCh38, 1-based): chr19:38,444,238-38,444,243, AGTGTC deleted; deleting any 6 consecutive bases within chr19:38,444,234-38,444,243 gives the same sequence; the c. name uses the placement nearest the transcript's 3' end. VCF-style (leftmost placement, unchanged base first): chr19-38444233-TTGTCAG-T. GRCh37 (hg19) VCF-style: chr19-38934873-TTGTCAG-T.
Other names: c.514_519del, p.171VS[1] (NM_001042723.2).
Identifiers: ClinVar variation 198091 (VCV000198091.7), dbSNP rs794727779, ClinGen allele CA024487.

ClinVar aggregate classification (germline): Uncertain significance. Review status: criteria provided, multiple submitters, no conflicts (2 of 4 stars). 3 submissions from 3 submitters: Uncertain significance (3). Last evaluated 2025-10-21.

Conditions:
RYR1-related disorder. Also called: RYR1-related disorders; RYR1-related condition. Identifiers: MedGen CN239331.

Submissions (3):

Labcorp Genetics (formerly Invitae), Labcorp
Classification: Uncertain significance for RYR1-related disorder. Last evaluated: 2025-10-21. Review status: criteria provided, single submitter. Criteria: Invitae Variant Classification Sherloc (09022015). Collection method: clinical testing. Allele origin: germline.
Comment: This variant, c.514_519del, results in the deletion of 2 amino acid(s) of the RYR1 protein (p.Val173_Ser174del), but otherwise preserves the integrity of the reading frame. This variant is not present in population databases (gnomAD no frequency). This variant has not been reported in the literature in individuals affected with RYR1-related conditions. ClinVar contains an entry for this variant (Variation ID: 198091). Experimental studies and prediction algorithms are not available or were not evaluated, and the functional significance of this variant is currently unknown. In summary, the available evidence is currently insufficient to determine the role of this variant in disease. Therefore, it has been classified as a Variant of Uncertain Significance.

ARUP Laboratories, Molecular Genetics and Genomics, ARUP Laboratories
Classification: Uncertain significance. Last evaluated: 2024-03-22. Review status: criteria provided, single submitter. Criteria: ARUP Molecular Germline Variant Investigation Process 2024. Collection method: clinical testing. Allele origin: germline.
Comment: The RYR1 c.514_519del; p.Val173_Ser174del variant (rs794727779), to our knowledge, is not reported in the medical literature but is reported in ClinVar (Variation ID: 198091). This variant is absent from the Genome Aggregation Database (v2.1.1), indicating it is not a common polymorphism. This variant deletes a valine and serine residue leaving the rest of the protein in-frame. Due to limited information, the clinical significance of this variant is uncertain at this time.

Eurofins Ntd Llc (ga)
Classification: Uncertain significance. Last evaluated: 2015-06-04. Review status: criteria provided, single submitter. Criteria: EGL Classification Definitions 2015. Collection method: clinical testing. Allele origin: germline. Observed: 1 variant allele, 1 heterozygote.